The following is an entry in ClinVar:

NM_032043.3(BRIP1):c.467T>C (p.Val156Ala)

Gene: BRIP1 (BRCA1 interacting DNA helicase 1; minus strand). Cytogenetic location: 17q23.2.
Variant type: single nucleotide variant.
Coding change: c.467T>C on transcript NM_032043.3 (MANE Select); coding-DNA position 467, T replaced by C.
Protein change: p.Val156Ala; replaces valine 156 with alanine.
Molecular consequence: missense variant.
Genome position (GRCh38, 1-based): chr17:61,849,169, A>G on the plus strand (T>C on the coding strand, the complement: BRIP1 is on the minus strand). VCF-style: chr17-61849169-A-G. GRCh37 (hg19) VCF-style: chr17-59926530-A-G.
Other names: short protein forms V156A.
Identifiers: ClinVar variation 579106 (VCV000579106.16), dbSNP rs1567868429, ClinGen allele CA400484427.

ClinVar aggregate classification (germline): Conflicting classifications of pathogenicity. Review status: criteria provided, conflicting classifications (1 of 4 stars). 4 submissions from 4 submitters: Uncertain significance (3); Likely benign (1). Last evaluated 2025-10-26.

Conditions:
Fanconi anemia complementation group J. Also called: BRIP1-Related Fanconi Anemia. Identifiers: Orphanet 84, MedGen C1836860, MONDO:0012187, OMIM 609054.
Familial cancer of breast. Also called: hereditary breast carcinoma; BREAST CANCER, FAMILIAL; Hereditary breast cancer. Identifiers: Orphanet 227535, MedGen C0346153, MONDO:0016419, OMIM 114480. Disease mechanism: loss of function.
Hereditary cancer-predisposing syndrome. Also called: Hereditary neoplastic syndrome; Tumor predisposition; Hereditary Cancer Syndrome; Neoplastic Syndromes, Hereditary. Identifiers: Orphanet 140162, MedGen C0027672, MeSH D009386, MONDO:0015356.

Allele frequency attached by ClinVar (database versions not stated): gnomAD exomes below 0.00001.
gnomAD v4.1: 1 of 1,613,506 alleles (0.000062%); highest among the groups gnomAD compares: Non-Finnish European, 0.000085%; no homozygotes.

Submissions (4):

Ambry Genetics
Classification: Uncertain significance for Hereditary cancer-predisposing syndrome. Last evaluated: 2025-10-26. Review status: criteria provided, single submitter. Criteria: Ambry Variant Classification Scheme 2023. Collection method: clinical testing. Allele origin: germline.
Comment: The p.V156A variant (also known as c.467T>C), located in coding exon 4 of the BRIP1 gene, results from a T to C substitution at nucleotide position 467. The valine at codon 156 is replaced by alanine, an amino acid with similar properties. This amino acid position is not well conserved in available vertebrate species. In addition, this alteration is predicted to be tolerated by in silico analysis. Since supporting evidence is limited at this time, the clinical significance of this alteration remains unclear.

Color Diagnostics, LLC DBA Color Health
Classification: Likely benign for Hereditary cancer-predisposing syndrome. Last evaluated: 2025-08-05. Review status: criteria provided, single submitter. Criteria: ACMG Guidelines, 2015. Collection method: clinical testing. Allele origin: germline.

Labcorp Genetics (formerly Invitae), Labcorp
Classification: Uncertain significance for Familial cancer of breast; Fanconi anemia complementation group J. Last evaluated: 2024-04-15. Review status: criteria provided, single submitter. Criteria: Invitae Variant Classification Sherloc (09022015). Collection method: clinical testing. Allele origin: germline.
Comment: This sequence change replaces valine, which is neutral and non-polar, with alanine, which is neutral and non-polar, at codon 156 of the BRIP1 protein (p.Val156Ala). This variant is not present in population databases (gnomAD no frequency). This variant has not been reported in the literature in individuals affected with BRIP1-related conditions. ClinVar contains an entry for this variant (Variation ID: 579106). Advanced modeling of protein sequence and biophysical properties (such as structural, functional, and spatial information, amino acid conservation, physicochemical variation, residue mobility, and thermodynamic stability) performed at Invitae indicates that this missense variant is not expected to disrupt BRIP1 protein function with a negative predictive value of 80%. In summary, the available evidence is currently insufficient to determine the role of this variant in disease. Therefore, it has been classified as a Variant of Uncertain Significance.

Baylor Genetics
Classification: Uncertain significance for Familial cancer of breast. Last evaluated: 2023-12-14. Review status: criteria provided, single submitter. Criteria: ACMG Guidelines, 2015. Collection method: clinical testing. Allele origin: unknown.